The following is an entry in ClinVar:

NM_001042492.3(NF1):c.125G>A (p.Cys42Tyr)

Gene: NF1 (neurofibromin 1; plus strand). Cytogenetic location: 17q11.2.
Variant type: single nucleotide variant.
Coding change: c.125G>A on transcript NM_001042492.3 (MANE Select); coding-DNA position 125, G replaced by A.
Protein change: p.Cys42Tyr; replaces cysteine 42 with tyrosine.
Molecular consequence: missense variant.
Genome position (GRCh38, 1-based): chr17:31,156,047, G>A. VCF-style: chr17-31156047-G-A. GRCh37 (hg19) VCF-style: chr17-29483065-G-A.
Other names: c.125G>A, p.Cys42Tyr (NM_000267.4, NM_001128147.3); short protein forms C42Y.
Identifiers: ClinVar variation 1514360 (VCV001514360.9), dbSNP rs2143626240, ClinGen allele CA398988380.
Genomic context (GRCh38, chr17:31,156,047, plus strand): 5'-CAATAAAAACAGGACAGCAGAACACACATACCAAAGTCAGTACTGAGCACAACAAGGAAT[G>A]TCTAATCAATATTTCCAAATACAAGTTTTCTTTGGTTATAAGCGGCCTCACTACTATTTT-3'
Protein context (NP_001035957.1, residues 32-52): TKVSTEHNKE[Cys42Tyr]LINISKYKFS

ClinVar aggregate classification (germline): Uncertain significance. Review status: criteria provided, multiple submitters, no conflicts (2 of 4 stars). 2 submissions from 2 submitters: Uncertain significance (2). Last evaluated 2024-12-30.

Conditions:
Neurofibromatosis, type 1 (NF1). Also called: Neurofibromatosis, type I; Peripheral type neurofibromatosis; VON RECKLINGHAUSEN DISEASE; NEUROFIBROMATOSIS, TYPE I, SOMATIC. Identifiers: Orphanet 636, MedGen C0027831, MONDO:0018975, OMIM 162200. Disease mechanism: loss of function.
Hereditary cancer-predisposing syndrome. Also called: Neoplastic Syndromes, Hereditary; Hereditary Cancer Syndrome; Tumor predisposition; Hereditary neoplastic syndrome. Identifiers: Orphanet 140162, MedGen C0027672, MeSH D009386, MONDO:0015356.
Cardiovascular phenotype. Identifiers: MedGen CN230736.

Submissions (2):

Ambry Genetics
Classification: Uncertain significance for Cardiovascular phenotype; Hereditary cancer-predisposing syndrome. Last evaluated: 2024-12-30. Review status: criteria provided, single submitter. Criteria: Ambry Variant Classification Scheme 2023. Collection method: clinical testing. Allele origin: germline.
Comment: The p.C42Y variant (also known as c.125G>A), located in coding exon 2 of the NF1 gene, results from a G to A substitution at nucleotide position 125. The cysteine at codon 42 is replaced by tyrosine, an amino acid with highly dissimilar properties. This amino acid position is highly conserved in available vertebrate species. In addition, the in silico prediction for this alteration is inconclusive. Based on the available evidence, the clinical significance of this variant remains unclear.

Labcorp Genetics (formerly Invitae), Labcorp
Classification: Uncertain significance for Neurofibromatosis, type 1. Last evaluated: 2024-04-07. Review status: criteria provided, single submitter. Criteria: Invitae Variant Classification Sherloc (09022015). Collection method: clinical testing. Allele origin: germline.
Comment: This sequence change replaces cysteine, which is neutral and slightly polar, with tyrosine, which is neutral and polar, at codon 42 of the NF1 protein (p.Cys42Tyr). This variant is not present in population databases (gnomAD no frequency). This variant has not been reported in the literature in individuals affected with NF1-related conditions. ClinVar contains an entry for this variant (Variation ID: 1514360). Advanced modeling of protein sequence and biophysical properties (such as structural, functional, and spatial information, amino acid conservation, physicochemical variation, residue mobility, and thermodynamic stability) performed at Invitae indicates that this missense variant is expected to disrupt NF1 protein function with a positive predictive value of 95%. In summary, the available evidence is currently insufficient to determine the role of this variant in disease. Therefore, it has been classified as a Variant of Uncertain Significance.